The following is an entry in ClinVar:

ClinVar aggregate classification (germline): Uncertain significance (1 of 4 stars; one submission).

Conditions:
PCNT-related disorder. Also called: PCNT-related condition.

gnomAD v4.1: 9 of 1,612,156 alleles (0.00056%); highest among the groups gnomAD compares: Middle Eastern, 0.017%; no homozygotes.

Submission:

PreventionGenetics, part of Exact Sciences
Classification: Uncertain significance for PCNT-related condition. Last evaluated: 2025-09-08. Review status: criteria provided, single submitter. Criteria: ACMG Guidelines, 2015. Collection method: clinical testing. Allele origin: germline.
Comment: The PCNT c.7586G>A variant is predicted to result in the amino acid substitution p.Arg2529His. To our knowledge, this variant has not been reported in the literature. This variant is reported in 0.0066% of alleles in individuals of South Asian descent in gnomAD. At this time, the clinical significance of this variant is uncertain due to the absence of conclusive functional and genetic evidence.

NM_006031.6(PCNT):c.7586G>A (p.Arg2529His)

Gene: PCNT (pericentrin; plus strand). Cytogenetic location: 21q22.3.
Variant type: single nucleotide variant.
Coding change: c.7586G>A on transcript NM_006031.6 (MANE Select); coding-DNA position 7586, G replaced by A.
Protein change: p.Arg2529His; replaces arginine 2529 with histidine.
Molecular consequence: missense variant.
Genome position (GRCh38, 1-based): chr21:46,428,486, G>A. VCF-style: chr21-46428486-G-A. GRCh37 (hg19) VCF-style: chr21-47848400-G-A.
Other names: c.7232G>A, p.Arg2411His (NM_001315529.2); short protein forms R2529H, R2411H.
Identifiers: ClinVar variation 5001675 (VCV005001675.1).
Genomic context (GRCh38, chr21:46,428,486, plus strand): 5'-TTCGCTTGCCGGACCGGAGCAGCCTGCTGTCCGAGATCCAGGCGCTGCGTGCCCAGCTGC[G>A]CATGACGCACCTGCAGAACCAGGAGAAGCTGCAGCACTTGCGCACGGCGCTGACAAGCGC-3'
Protein context (NP_006022.3, residues 2519-2539): SEIQALRAQL[Arg2529His]MTHLQNQEKL